The following is an entry in ClinVar:

NM_000182.5(HADHA):c.2194C>T (p.Arg732Trp)

Genes: HADHA (hydroxyacyl-CoA dehydrogenase trifunctional multienzyme complex subunit alpha; minus strand), GAREM2 (GRB2 associated regulator of MAPK1 subtype 2; plus strand). Cytogenetic location: 2p23.3.
Variant type: single nucleotide variant.
Coding change: c.2194C>T on transcript NM_000182.5 (MANE Select); coding-DNA position 2194, C replaced by T.
Protein change: p.Arg732Trp; replaces arginine 732 with tryptophan.
Molecular consequence: missense variant.
Genome position (GRCh38, 1-based): chr2:26,191,348, G>A on the plus strand (C>T on the coding strand, the complement: HADHA is on the minus strand). VCF-style: chr2-26191348-G-A. GRCh37 (hg19) VCF-style: chr2-26414217-G-A.
Other names: c.2194C>T (NM_000182.4); short protein forms R732W.
Identifiers: ClinVar variation 2157872 (VCV002157872.4), dbSNP rs767158795, ClinGen allele CA1559326.

ClinVar aggregate classification (germline): Uncertain significance. Review status: criteria provided, multiple submitters, no conflicts (2 of 4 stars). 4 submissions from 4 submitters: Uncertain significance (4). Last evaluated 2025-05-17.

Conditions:
Mitochondrial trifunctional protein deficiency. Identifiers: Orphanet 746, MedGen C1969443, MONDO:0012172.
Long chain 3-hydroxyacyl-CoA dehydrogenase deficiency. Also called: LCHAD Deficiency; Deficiency of long-chain 3-hydroxyacyl-coenzyme A dehydrogenase. Identifiers: Orphanet 5, MedGen C3711645, MONDO:0012173, OMIM 609016.
Inborn genetic diseases. Identifiers: MedGen C0950123, MeSH D030342.
Mitochondrial trifunctional protein deficiency 1 (MTPD1). Identifiers: MedGen CN376812, MONDO:0958181, OMIM 609015.

Allele frequency attached by ClinVar (database versions not stated): ExAC 0.00003; gnomAD exomes 0.00003; TOPMed 0.00004; gnomAD 0.00005.
gnomAD v4.1: 59 of 1,613,994 alleles (0.0037%); highest among the groups gnomAD compares: Admixed American, 0.0033%; no homozygotes.

Submissions (4):

Ambry Genetics
Classification: Uncertain significance for Inborn genetic diseases. Last evaluated: 2025-05-17. Review status: criteria provided, single submitter. Criteria: Ambry Variant Classification Scheme 2023. Collection method: clinical testing. Allele origin: germline.

GeneDx
Classification: Uncertain significance. Last evaluated: 2024-05-09. Review status: criteria provided, single submitter. Criteria: GeneDx Variant Classification Process June 2021. Collection method: clinical testing. Allele origin: germline. Affected: yes.
Comment: In silico analysis indicates that this missense variant does not alter protein structure/function; Has not been previously published as pathogenic or benign to our knowledge

Department of Pathology and Laboratory Medicine, Sinai Health System
Classification: Uncertain significance for Mitochondrial trifunctional protein deficiency 1; Long chain 3-hydroxyacyl-CoA dehydrogenase deficiency. Last evaluated: 2022-03-01. Review status: criteria provided, single submitter. Criteria: ACMG Guidelines, 2015. Collection method: research. Allele origin: germline.

Labcorp Genetics (formerly Invitae), Labcorp
Classification: Uncertain significance for Mitochondrial trifunctional protein deficiency; Long chain 3-hydroxyacyl-CoA dehydrogenase deficiency. Last evaluated: 2021-09-29. Review status: criteria provided, single submitter. Criteria: Invitae Variant Classification Sherloc (09022015). Collection method: clinical testing. Allele origin: germline.
Comment: This sequence change replaces arginine with tryptophan at codon 732 of the HADHA protein (p.Arg732Trp). The arginine residue is weakly conserved and there is a moderate physicochemical difference between arginine and tryptophan. This variant is present in population databases (rs767158795, ExAC 0.01%). This variant has not been reported in the literature in individuals with HADHA-related conditions. Algorithms developed to predict the effect of missense changes on protein structure and function are either unavailable or do not agree on the potential impact of this missense change (SIFT: "Deleterious"; PolyPhen-2: "Benign"; Align-GVGD: "Class C0"). In summary, the available evidence is currently insufficient to determine the role of this variant in disease. Therefore, it has been classified as a Variant of Uncertain Significance.